The following is an entry in ClinVar:

NM_001083116.3(PRF1):c.394G>T (p.Gly132Trp)

Gene: PRF1 (perforin 1; minus strand). Cytogenetic location: 10q22.1.
Variant type: single nucleotide variant.
Coding change: c.394G>T on transcript NM_001083116.3 (MANE Select); coding-DNA position 394, G replaced by T.
Protein change: p.Gly132Trp; replaces glycine 132 with tryptophan.
Molecular consequence: missense variant.
Genome position (GRCh38, 1-based): chr10:70,600,509, C>A on the plus strand (G>T on the coding strand, the complement: PRF1 is on the minus strand). VCF-style: chr10-70600509-C-A. GRCh37 (hg19) VCF-style: chr10-72360265-C-A.
Other names: c.394G>T, p.Gly132Trp (NM_005041.6); short protein forms G132W.
Identifiers: ClinVar variation 1403633 (VCV001403633.8), dbSNP rs201382038, ClinGen allele CA376959507.
Genomic context (GRCh38, chr10:70,600,509, plus strand): 5'-AGTGTGAGCCGGCCACAGACACATGCACATTGCTGGTGGGCTTAGGAGTCACGTCCAGCC[C>A]GACCTTCCAGTCGTTGCGGATGCTACGAGCCGCATCCCGGGCCACAGCTTCAGTGGAGCT-3'
Protein context (NP_001076585.1, residues 122-142): ARSIRNDWKV[Gly132Trp]LDVTPKPTSN

ClinVar aggregate classification (germline): Uncertain significance (1 of 4 stars; one submission).

Conditions:
Familial hemophagocytic lymphohistiocytosis 2 (FHL2). Also called: PRF1-Related Familial Hemophagocytic Lymphohistiocytosis (PRF1-fHLH). Identifiers: Orphanet 540, MedGen C1863727, MONDO:0011337, OMIM 603553.

gnomAD v4.1: 2 of 1,614,174 alleles (0.00012%); highest among the groups gnomAD compares: Non-Finnish European, 0.000085%; no homozygotes.

Submission:

Labcorp Genetics (formerly Invitae), Labcorp
Classification: Uncertain significance for Familial hemophagocytic lymphohistiocytosis 2. Last evaluated: 2022-08-23. Review status: criteria provided, single submitter. Criteria: Invitae Variant Classification Sherloc (09022015). Collection method: clinical testing. Allele origin: germline.
Comment: This sequence change replaces glycine, which is neutral and non-polar, with tryptophan, which is neutral and slightly polar, at codon 132 of the PRF1 protein (p.Gly132Trp). This variant is not present in population databases (gnomAD no frequency). This variant has not been reported in the literature in individuals affected with PRF1-related conditions. ClinVar contains an entry for this variant (Variation ID: 1403633). Algorithms developed to predict the effect of missense changes on protein structure and function are either unavailable or do not agree on the potential impact of this missense change (SIFT: "Deleterious"; PolyPhen-2: "Possibly Damaging"; Align-GVGD: "Class C0"). In summary, the available evidence is currently insufficient to determine the role of this variant in disease. Therefore, it has been classified as a Variant of Uncertain Significance.